The following is an entry in ClinVar:

NM_001126108.2(SLC12A3):c.530T>C (p.Leu177Pro)

Gene: SLC12A3 (solute carrier family 12 member 3; plus strand). Cytogenetic location: 16q13.
Variant type: single nucleotide variant.
Coding change: c.530T>C on transcript NM_001126108.2 (MANE Select); coding-DNA position 530, T replaced by C.
Protein change: p.Leu177Pro; replaces leucine 177 with proline.
Molecular consequence: missense variant.
Genome position (GRCh38, 1-based): chr16:56,869,753, T>C. VCF-style: chr16-56869753-T-C. GRCh37 (hg19) VCF-style: chr16-56903665-T-C.
Other names: c.530T>C, p.Leu177Pro (NM_000339.3); c.527T>C, p.Leu176Pro (NM_001126107.2, NM_001410896.1); short protein forms L176P, L177P.
Identifiers: ClinVar variation 3351941 (VCV003351941.1).

ClinVar aggregate classification (germline): Uncertain significance (0 of 4 stars; one submission).

Conditions:
SLC12A3-related disorder. Also called: SLC12A3-related condition.

gnomAD v4.1: 7 of 1,614,206 alleles (0.00043%); highest among the groups gnomAD compares: Non-Finnish European, 0.00059%; no homozygotes.

Submission:

PreventionGenetics, part of Exact Sciences
Classification: Uncertain significance for SLC12A3-related condition. Last evaluated: 2024-08-03. Review status: no assertion criteria provided. Collection method: clinical testing. Allele origin: germline.
Comment: The SLC12A3 c.530T>C variant is predicted to result in the amino acid substitution p.Leu177Pro. To our knowledge, this variant has not been reported in the literature or in a large population database, indicating this variant is rare. At this time, the clinical significance of this variant is uncertain due to the absence of conclusive functional and genetic evidence.